The following is an entry in ClinVar:

NM_000179.3(MSH6):c.719_726del (p.Arg240fs)

Gene: MSH6 (mutS homolog 6; plus strand). Cytogenetic location: 2p16.3.
Variant type: Deletion.
Coding change: c.719_726del on transcript NM_000179.3 (MANE Select); coding-DNA positions 719 to 726, 8 bases deleted (GAAGTAGC; older notation c.719_726delGAAGTAGC).
Protein change: p.Arg240fs; shifts the reading frame from arginine 240.
Molecular consequence: frameshift variant. On other transcripts: 5 prime UTR variant (2).
Genome position (GRCh38, 1-based): chr2:47,798,702-47,798,709, GAAGTAGC deleted; deleting any 8 consecutive bases within chr2:47,798,700-47,798,709 gives the same sequence; the c. name uses the placement nearest the transcript's 3' end. VCF-style (leftmost placement, unchanged base first): chr2-47798699-GGCGAAGTA-G. GRCh37 (hg19) VCF-style: chr2-48025838-GGCGAAGTA-G.
Other names: c.329_336del, p.Arg110fs (NM_001281492.2); c.-188_-181del (NM_001281493.2, NM_001281494.2); c.815_822delGAAGTAGC, p.Arg272Profs (NM_001406795.1, NM_001406802.1); c.719_726delGAAGTAGC, p.Arg240Profs (NM_001406796.1, NM_001406798.1, NM_001406800.1 and 4 more transcripts); c.422_429delGAAGTAGC, p.Arg141Profs (NM_001406797.1, NM_001406801.1, NM_001406805.1 and 10 more transcripts); c.194_201delGAAGTAGC, p.Arg65Profs (NM_001406799.1, NM_001406806.1, NM_001406807.1); c.641_648delGAAGTAGC, p.Arg214Profs (NM_001406804.1); c.-188_-181delGAAGTAGC (NM_001406811.1, NM_001406812.1, NM_001406814.1 and 4 more transcripts); and 2 more; short protein forms R110fs, R240fs.
Identifiers: ClinVar variation 1757593 (VCV001757593.2), dbSNP rs2530567441, ClinGen allele CA2580067219.

ClinVar aggregate classification (germline): Pathogenic (1 of 4 stars; one submission).

Conditions:
Hereditary cancer-predisposing syndrome. Also called: Neoplastic Syndromes, Hereditary; Tumor predisposition; Hereditary Cancer Syndrome; Hereditary neoplastic syndrome. Identifiers: Orphanet 140162, MedGen C0027672, MeSH D009386, MONDO:0015356.

Submission:

Ambry Genetics
Classification: Pathogenic for Hereditary cancer-predisposing syndrome. Last evaluated: 2022-03-02. Review status: criteria provided, single submitter. Criteria: Ambry Variant Classification Scheme 2023. Collection method: clinical testing. Allele origin: germline.
Comment: The c.719_726delGAAGTAGC pathogenic mutation, located in coding exon 4 of the MSH6 gene, results from a deletion of 8 nucleotides at nucleotide positions 719 to 726, causing a translational frameshift with a predicted alternate stop codon (p.R240Pfs*13). This alteration is expected to result in loss of function by premature protein truncation or nonsense-mediated mRNA decay. As such, this alteration is interpreted as a disease-causing mutation.